The following is an entry in ClinVar:

ClinVar aggregate classification (germline): Uncertain significance. Review status: criteria provided, multiple submitters, no conflicts (2 of 4 stars). 3 submissions from 3 submitters: Uncertain significance (3). Last evaluated 2025-09-09.

Conditions:
Epidermolysis bullosa simplex 5B, with muscular dystrophy (EBS5B). Also called: Epidermolysis bullosa simplex with muscular dystrophy; EPIDERMOLYSIS BULLOSA SIMPLEX AND LIMB-GIRDLE MUSCULAR DYSTROPHY. Identifiers: Orphanet 257, MedGen C2931072, MONDO:0009181, OMIM 226670.
Epidermolysis bullosa simplex 5C, with pyloric atresia (EBS5C). Also called: Epidermolysis bullosa simplex with pyloric atresia; PLEC-Related Epidermolysis Bullosa with Pyloric Atresia; PLEC1-Related Epidermolysis Bullosa with Pyloric Atresia. Identifiers: Orphanet 158684, MedGen C2677349, MONDO:0012807, OMIM 612138.
Epidermolysis bullosa simplex, Ogna type (EBS5A). Also called: Pidermolysis bullosa simplex 5A, Ogna type; EPIDERMOLYSIS BULLOSA SIMPLEX 5A, OGNA TYPE. Identifiers: Orphanet 79401, MedGen C0432317, MONDO:0007555, OMIM 131950.
Autosomal recessive limb-girdle muscular dystrophy type 2Q (LGMDR17). Also called: MUSCULAR DYSTROPHY, LIMB-GIRDLE, AUTOSOMAL RECESSIVE 17. Identifiers: Orphanet 254361, MedGen C3150989, MONDO:0013390, OMIM 613723.
Epidermolysis bullosa simplex with nail dystrophy (EBS5D). Identifiers: MedGen C4225309, MONDO:0014661, OMIM 616487.
Inborn genetic diseases. Identifiers: MedGen C0950123, MeSH D030342.

Allele frequency attached by ClinVar (database versions not stated): ExAC 0.00001; gnomAD 0.00001; gnomAD exomes 0.00002; TOPMed 0.00002.
gnomAD v4.1: 18 of 1,608,164 alleles (0.0011%); highest among the groups gnomAD compares: Non-Finnish European, 0.0014%; no homozygotes.

Submissions (3):

Ambry Genetics
Classification: Uncertain significance for Inborn genetic diseases. Last evaluated: 2025-09-09. Review status: criteria provided, single submitter. Criteria: Ambry Variant Classification Scheme 2023. Collection method: clinical testing. Allele origin: germline.

Labcorp Genetics (formerly Invitae), Labcorp
Classification: Uncertain significance for Autosomal recessive limb-girdle muscular dystrophy type 2Q; Epidermolysis bullosa simplex, Ogna type; Epidermolysis bullosa simplex with nail dystrophy; Epidermolysis bullosa simplex 5C, with pyloric atresia; Epidermolysis bullosa simplex 5B, with muscular dystrophy. Last evaluated: 2024-07-17. Review status: criteria provided, single submitter. Criteria: Invitae Variant Classification Sherloc (09022015). Collection method: clinical testing. Allele origin: germline.
Comment: This sequence change replaces glycine, which is neutral and non-polar, with cysteine, which is neutral and slightly polar, at codon 3030 of the PLEC protein (p.Gly3030Cys). This variant is present in population databases (rs781893712, gnomAD 0.004%). This variant has not been reported in the literature in individuals affected with PLEC-related conditions. ClinVar contains an entry for this variant (Variation ID: 1055099). Advanced modeling of protein sequence and biophysical properties (such as structural, functional, and spatial information, amino acid conservation, physicochemical variation, residue mobility, and thermodynamic stability) has been performed at Invitae for this missense variant, however the output from this modeling did not meet the statistical confidence thresholds required to predict the impact of this variant on PLEC protein function. In summary, the available evidence is currently insufficient to determine the role of this variant in disease. Therefore, it has been classified as a Variant of Uncertain Significance.

Revvity Omics, Revvity
Classification: Uncertain significance. Last evaluated: 2020-03-16. Review status: criteria provided, single submitter. Criteria: ACMG Guidelines, 2015. Collection method: clinical testing. Allele origin: germline.

NM_201384.3(PLEC):c.9007G>T (p.Gly3003Cys)

Gene: PLEC (plectin; minus strand). Cytogenetic location: 8q24.3.
Variant type: single nucleotide variant.
Coding change: c.9007G>T on transcript NM_201384.3 (MANE Select); coding-DNA position 9007, G replaced by T.
Protein change: p.Gly3003Cys; replaces glycine 3003 with cysteine.
Molecular consequence: missense variant.
Genome position (GRCh38, 1-based): chr8:143,920,814, C>A on the plus strand (G>T on the coding strand, the complement: PLEC is on the minus strand). VCF-style: chr8-143920814-C-A. GRCh37 (hg19) VCF-style: chr8-144994982-C-A.
Other names: c.9088G>T, p.Gly3030Cys (NM_000445.5); c.8965G>T, p.Gly2989Cys (NM_201378.4); c.8941G>T, p.Gly2981Cys (NM_201379.3); c.9418G>T, p.Gly3140Cys (NM_201380.4); c.8911G>T, p.Gly2971Cys (NM_201381.3); c.9088G>T (NM_000445.3); c.9007G>T, p.Gly3003Cys (NM_201382.4); c.9019G>T, p.Gly3007Cys (NM_201383.3); short protein forms G2971C, G2981C, G2989C, G3003C, G3007C, G3030C, G3140C.
Identifiers: ClinVar variation 1055099 (VCV001055099.11), dbSNP rs781893712, ClinGen allele CA4925111.